The following is an entry in ClinVar:

NM_022089.4(ATP13A2):c.2722T>A (p.Ser908Thr)

Gene: ATP13A2 (ATPase cation transporting 13A2; minus strand). Cytogenetic location: 1p36.13.
Variant type: single nucleotide variant.
Coding change: c.2722T>A on transcript NM_022089.4 (MANE Select); coding-DNA position 2722, T replaced by A.
Protein change: p.Ser908Thr; replaces serine 908 with threonine.
Molecular consequence: missense variant.
Genome position (GRCh38, 1-based): chr1:16,988,362, A>T on the plus strand (T>A on the coding strand, the complement: ATP13A2 is on the minus strand). VCF-style: chr1-16988362-A-T. GRCh37 (hg19) VCF-style: chr1-17314857-A-T.
Other names: c.2707T>A, p.Ser903Thr (NM_001141973.3); c.2590T>A, p.Ser864Thr (NM_001141974.3); short protein forms S864T, S903T, S908T.
Identifiers: ClinVar variation 1298409 (VCV001298409.35), dbSNP rs766632717, ClinGen allele CA636732.

ClinVar aggregate classification (germline): Uncertain significance (1 of 4 stars; one submission).

Allele frequency attached by ClinVar (database versions not stated): gnomAD exomes below 0.00001 and 0.00001; ExAC 0.00001.
gnomAD v4.1: 1 of 1,614,136 alleles (0.000062%); highest among the groups gnomAD compares: Non-Finnish European, 0.000085%; no homozygotes.

Submission:

CeGaT Center for Human Genetics Tuebingen
Classification: Uncertain significance. Last evaluated: 2025-02-01. Review status: criteria provided, single submitter. Criteria: CeGaT Center For Human Genetics Tuebingen Variant Classification Criteria Version 2. Collection method: clinical testing. Allele origin: germline. Affected: yes. Observed: 3 variant alleles.
Comment: ATP13A2: PM2